The following is an entry in ClinVar:

NM_052845.4(MMAB):c.86del (p.Tyr29fs)

Genes: MMAB (metabolism of cobalamin associated B; minus strand), MVK (mevalonate kinase; plus strand). Cytogenetic location: 12q24.11.
Variant type: Deletion.
Coding change: c.86del on transcript NM_052845.4 (MANE Select); coding-DNA position 86, one base deleted (A; older notation c.86delA).
Protein change: p.Tyr29fs; shifts the reading frame from tyrosine 29.
Molecular consequence: frameshift variant. On other transcripts: non-coding transcript variant (1).
Genome position (GRCh38, 1-based): chr12:109,573,395, T deleted on the plus strand (A on the coding strand, the reverse complement: MMAB is on the minus strand). VCF-style (leftmost placement, unchanged base first): chr12-109573394-AT-A. GRCh37 (hg19) VCF-style: chr12-110011199-AT-A.
Other names: short protein forms Y29fs.
Identifiers: ClinVar variation 5004670 (VCV005004670.1).
Genomic context (GRCh38, chr12:109,573,394, plus strand): 5'-GCCAGCCACTCACCTGTCCCCGTCTTCCACGCCCTGAGGGCCGCGGCTCTGGAAACGGGG[AT>A]ACAGGAGCCTGGCGGCGCCGAAGCACCCGCGCAGGCCAAGACGGCTCCCCAGGCCAAGAC-3'

ClinVar aggregate classification (germline): Pathogenic (1 of 4 stars; one submission).

Conditions:
Methylmalonic aciduria, cblB type (MACB). Also called: Vitamin B12-responsive methylmalonic acidemia type cblB; METHYLMALONIC ACIDURIA, VITAMIN B12-RESPONSIVE, DUE TO DEFECT IN SYNTHESIS OF ADENOSYLCOBALAMIN, cblB TYPE; Methylmalonic acidemia cblB type. Identifiers: Orphanet 28, Orphanet 79311, MedGen C1855102, MONDO:0009614, OMIM 251110.

Submission:

Myriad Genetics, Inc.
Classification: Pathogenic for Methylmalonic aciduria, cblB type. Last evaluated: 2026-05-22. Review status: criteria provided, single submitter. Criteria: Myriad Autosomal Dominant, Autosomal Recessive and X-Linked Classification Criteria (2023). Collection method: clinical testing. Allele origin: unknown.
Comment: NM_052845.3(MMAB):c.86delA(Y29Ffs*64) is a frameshift variant classified as pathogenic in the context of methylmalonic acidemia, cblB type. Y29Ffs*64 has not been observed in cases with relevant disease. Relevant functional assessments of this variant are not available in the literature. Y29Ffs*64 has not been observed in referenced population frequency databases. In summary, NM_052845.3(MMAB):c.86delA(Y29Ffs*64) is a frameshift variant in a gene where loss of function is a known mechanism of disease and is predicted to disrupt protein function. Please note: this variant was assessed in the context of healthy population screening.